The following is an entry in ClinVar:

ClinVar aggregate classification (germline): Pathogenic (1 of 4 stars; one submission).

Submission:

Labcorp Genetics (formerly Invitae), Labcorp
Classification: Pathogenic. Last evaluated: 2021-08-19. Review status: criteria provided, single submitter. Criteria: Invitae Variant Classification Sherloc (09022015). Collection method: clinical testing. Allele origin: germline.
Comment: This sequence change creates a premature translational stop signal (p.Cys2432*) in the ACAN gene. It is expected to result in an absent or disrupted protein product. Loss-of-function variants in ACAN are known to be pathogenic (PMID: 16080123, 24762113). This variant is not present in population databases (ExAC no frequency). This variant has not been reported in the literature in individuals affected with ACAN-related conditions. For these reasons, this variant has been classified as Pathogenic.

Literature cited by the submitters: PubMed 16080123; PubMed 24762113.

NM_001369268.1(ACAN):c.7410C>A (p.Cys2470Ter)

Gene: ACAN (aggrecan; plus strand). Cytogenetic location: 15q26.1.
Variant type: single nucleotide variant.
Coding change: c.7410C>A on transcript NM_001369268.1 (MANE Select); coding-DNA position 7410, C replaced by A.
Protein change: p.Cys2470Ter; replaces cysteine 2470 with a stop codon.
Molecular consequence: nonsense.
Genome position (GRCh38, 1-based): chr15:88,872,988, C>A. VCF-style: chr15-88872988-C-A. GRCh37 (hg19) VCF-style: chr15-89416219-C-A.
Other names: c.7182C>A, p.Cys2394Ter (NM_001135.4); c.7296C>A, p.Cys2432Ter (NM_013227.4); short protein forms C2470*, C2394*, C2432*.
Identifiers: ClinVar variation 1425149 (VCV001425149.6), dbSNP rs2141642686, ClinGen allele CA393730551.